The following is an entry in ClinVar:

ClinVar aggregate classification (germline): Benign (1 of 4 stars; one submission).

Submission:

Laboratory for Molecular Medicine, Mass General Brigham Personalized Medicine
Classification: Benign. Last evaluated: 2016-03-29. Review status: criteria provided, single submitter. Criteria: LMM Criteria. Collection method: clinical testing. Allele origin: germline.
Comment: Variant identified in a genome or exome case(s) and assessed due to predicted null impact of the variant or pathogenic assertions in the literature or databases. Disclaimer: This variant has not undergone full assessment. The following are preliminary notes: ExAC frequency

NM_004667.6(HERC2):c.836del (p.Gly279fs)

Gene: HERC2 (HECT and RLD domain containing E3 ubiquitin protein ligase 2; minus strand). Cytogenetic location: 15q13.1.
Variant type: Deletion.
Coding change: c.836del on transcript NM_004667.6 (MANE Select); coding-DNA position 836, one base deleted (G; older notation c.836delG).
Protein change: p.Gly279fs; shifts the reading frame from glycine 279.
Molecular consequence: frameshift variant.
Genome position (GRCh38, 1-based): chr15:28,272,969, C deleted on the plus strand (G on the coding strand, the reverse complement: HERC2 is on the minus strand); the first of 2 consecutive C bases (chr15:28,272,969-28,272,970); deleting either gives the same sequence. VCF-style (leftmost placement, unchanged base first): chr15-28272968-TC-T. GRCh37 (hg19) VCF-style: chr15-28518114-TC-T.
Other names: c.836delG (NM_004667.5); short protein forms G279fs.
Identifiers: ClinVar variation 402931 (VCV000402931.4), dbSNP rs756835034, ClinGen allele CA267948537.